The following is an entry in ClinVar:

ClinVar aggregate classification (germline): Uncertain significance (1 of 4 stars; one submission).

gnomAD v4.1: 12 of 1,613,850 alleles (0.00074%); highest among the groups gnomAD compares: Non-Finnish European, 0.001%; no homozygotes.

Submission:

Women's Health and Genetics/Laboratory Corporation of America, LabCorp
Classification: Uncertain significance. Last evaluated: 2024-12-18. Review status: criteria provided, single submitter. Criteria: LabCorp Variant Classification Summary - May 2015. Collection method: clinical testing. Allele origin: germline.
Comment: Variant summary: TFAP2A c.1008A>G (p.Lys336Lys) alters a conserved nucleotide located close to a canonical splice site and therefore could affect mRNA splicing, leading to a significantly altered protein sequence. Consensus agreement among computation tools predict no significant impact on normal splicing. However, these predictions have yet to be confirmed by functional studies. The variant allele was found at a frequency of 4e-06 in 247200 control chromosomes. The available data on variant occurrences in the general population are insufficient to allow any conclusion about variant significance. To our knowledge, no occurrence of c.1008A>G in individuals affected with Branchiooculofacial Syndrome and no experimental evidence demonstrating its impact on protein function have been reported. No submitters have cited clinical-significance assessments for this variant to ClinVar. Based on the evidence outlined above, the variant was classified as uncertain significance.

NM_001372066.1(TFAP2A):c.1032A>G (p.Lys344=)

Gene: TFAP2A (transcription factor AP-2 alpha; minus strand). Cytogenetic location: 6p24.3.
Variant type: single nucleotide variant.
Coding change: c.1032A>G on transcript NM_001372066.1 (MANE Select); coding-DNA position 1032, A replaced by G.
Protein change: p.Lys344=; no amino-acid change (lysine 344 retained).
Molecular consequence: synonymous variant.
Genome position (GRCh38, 1-based): chr6:10,398,705, T>C on the plus strand (A>G on the coding strand, the complement: TFAP2A is on the minus strand). VCF-style: chr6-10398705-T-C. GRCh37 (hg19) VCF-style: chr6-10398938-T-C.
Other names: c.1008A>G, p.Lys336= (NM_001032280.3); c.1014A>G, p.Lys338= (NM_001042425.3).
Identifiers: ClinVar variation 3768528 (VCV003768528.1).
Genomic context (GRCh38, chr6:10,398,705, plus strand): 5'-TGAGTTCCCCAGGGGAGATCGGTCCTGAGCCAGCAGGTCGGTGAACTCTTTGCATATCTG[T>C]CTGCAGCACAAGTGGAGCAGAGAGAGAGACATAAGGCTCCACTATGGGCAGCACTAGCAG-3'
Protein context (NP_001358995.1, residues 334-354): VTRKNMLLAT[Lys344=]QICKEFTDLL